The following is an entry in ClinVar:

NM_000059.4(BRCA2):c.4165T>G (p.Phe1389Val)

Gene: BRCA2 (BRCA2 DNA repair associated; plus strand). Cytogenetic location: 13q13.1.
Variant type: single nucleotide variant.
Coding change: c.4165T>G on transcript NM_000059.4 (MANE Select); coding-DNA position 4165, T replaced by G.
Protein change: p.Phe1389Val; replaces phenylalanine 1389 with valine.
Molecular consequence: missense variant.
Genome position (GRCh38, 1-based): chr13:32,338,520, T>G. VCF-style: chr13-32338520-T-G. GRCh37 (hg19) VCF-style: chr13-32912657-T-G.
Other names: short protein forms F1389V.
Identifiers: ClinVar variation 462329 (VCV000462329.29), dbSNP rs1409088355, ClinGen allele CA16020672.

ClinVar aggregate classification (germline): Conflicting classifications of pathogenicity. Review status: criteria provided, conflicting classifications (1 of 4 stars). 9 submissions from 9 submitters: Uncertain significance (8); Likely benign (1). Last evaluated 2026-02-02.

Conditions:
Hereditary cancer-predisposing syndrome. Also called: Hereditary neoplastic syndrome; Neoplastic Syndromes, Hereditary; Tumor predisposition; Hereditary Cancer Syndrome. Identifiers: Orphanet 140162, MedGen C0027672, MeSH D009386, MONDO:0015356.
Hereditary breast ovarian cancer syndrome. Also called: Hereditary breast and/or ovarian cancer syndrome; BRCA1- and BRCA2-Associated Hereditary Breast and Ovarian Cancer; Hereditary breast and ovarian cancer; Breast and ovarian cancer; Hereditary breast and ovarian cancer syndrome; Hereditary breast and ovarian cancer syndrome (HBOC). Identifiers: Orphanet 145, MedGen C0677776, MeSH D061325, MONDO:0003582. Disease mechanism: loss of function.
Breast-ovarian cancer, familial, susceptibility to, 2 (BROVCA2). Also called: BRCA2 Hereditary Breast and Ovarian Cancer. Identifiers: Orphanet 145, MedGen C2675520, MONDO:0012933, OMIM 612555. Disease mechanism: loss of function.

Allele frequency attached by ClinVar (database versions not stated): gnomAD below 0.00001 and 0.00001; gnomAD exomes below 0.00001 and 0.00001; TOPMed 0.00001.
gnomAD v4.1: 9 of 1,603,280 alleles (0.00056%); highest among the groups gnomAD compares: South Asian, 0.0091%; no homozygotes.

Submissions (9):

Labcorp Genetics (formerly Invitae), Labcorp
Classification: Uncertain significance for Hereditary breast ovarian cancer syndrome. Last evaluated: 2026-02-02. Review status: criteria provided, single submitter. Criteria: Invitae Variant Classification Sherloc (09022015). Collection method: clinical testing. Allele origin: germline.
Comment: This sequence change replaces phenylalanine, which is neutral and non-polar, with valine, which is neutral and non-polar, at codon 1389 of the BRCA2 protein (p.Phe1389Val). This variant is present in population databases (no rsID available, gnomAD 0.004%). This missense change has been observed in individual(s) with breast and/or ovarian cancer (PMID: 29470806). ClinVar contains an entry for this variant (Variation ID: 462329). Invitae Evidence Modeling of protein sequence and biophysical properties (such as structural, functional, and spatial information, amino acid conservation, physicochemical variation, residue mobility, and thermodynamic stability) indicates that this missense variant is not expected to disrupt BRCA2 protein function with a negative predictive value of 95%. In summary, the available evidence is currently insufficient to determine the role of this variant in disease. Therefore, it has been classified as a Variant of Uncertain Significance.

Color Diagnostics, LLC DBA Color Health
Classification: Uncertain significance for Hereditary cancer-predisposing syndrome. Last evaluated: 2025-07-03. Review status: criteria provided, single submitter. Criteria: ACMG Guidelines, 2015. Collection method: clinical testing. Allele origin: germline.
Comment: This missense variant replaces phenylalanine with valine at codon 1389 of the BRCA2 protein. Computational prediction suggests that this variant may not impact protein structure and function. To our knowledge, functional studies have not been reported for this variant. This variant has been reported in three individuals affected with breast or ovarian cancer (PMID: 29470806, DOI: 10.4103/bbrj.bbrj_206_21). A multifactorial analysis has reported a likelihood ratio for pathogenicity based on personal and family history of 1.031 from log(LR)=0.0133 for one carrier (PMID: 31853058).This variant has been identified in 1/237332 chromosomes in the general population by the Genome Aggregation Database (gnomAD). The available evidence is insufficient to determine the role of this variant in disease conclusively. Therefore, this variant is classified as a Variant of Uncertain Significance.

Women's Health and Genetics/Laboratory Corporation of America, LabCorp
Classification: Uncertain significance. Last evaluated: 2025-06-04. Review status: criteria provided, single submitter. Criteria: LabCorp Variant Classification Summary - May 2015. Collection method: clinical testing. Allele origin: germline.
Comment: Variant summary: BRCA2 c.4165T>G (p.Phe1389Val) results in a non-conservative amino acid change located in the BRCA2 repeat region (IPR002093) of the encoded protein sequence. Algorithms developed to predict the effect of missense changes on protein structure and function are either unavailable or do not agree on the potential impact of this missense change. The variant allele was found at a frequency of 4.2e-06 in 237332 control chromosomes. The available data on variant occurrences in the general population are insufficient to allow any conclusion about variant significance. c.4165T>G has been observed in individual(s) affected with Hereditary Breast And Ovarian Cancer Syndrome (Singh_2018). These report(s) do not provide unequivocal conclusions about association of the variant with Hereditary Breast And Ovarian Cancer Syndrome. To our knowledge, no experimental evidence demonstrating an impact on protein function has been reported. The following publications have been ascertained in the context of this evaluation (PMID: 28526081, 29470806). ClinVar contains an entry for this variant (Variation ID: 462329). Based on the evidence outlined above, the variant was classified as uncertain significance.

Quest Diagnostics Nichols Institute San Juan Capistrano
Classification: Uncertain significance. Last evaluated: 2025-04-23. Review status: criteria provided, single submitter. Criteria: Quest Diagnostics criteria. Collection method: clinical testing. Allele origin: unknown.
Comment: The BRCA2 c.4165T>G (p.Phe1389Val) variant has been reported in the published literature in individuals with breast and/or ovarian cancer (PMID: 29470806 (2018), 37460928 (2023)). This variant is reported to be located in a region of the BRCA2 gene that is tolerant to missense sequence changes (PMID: 31911673 (2020)). The frequency of this variant in the general population (Genome Aggregation Database) is uninformative in the assessment of its pathogenicity. Analysis of this variant using bioinformatics tools for the prediction of the effect of amino acid changes on protein structure and function yielded predictions that this variant is benign. Based on the available information, we are unable to determine the clinical significance of this variant.

Ambry Genetics
Classification: Uncertain significance for Hereditary cancer-predisposing syndrome. Last evaluated: 2024-06-19. Review status: criteria provided, single submitter. Criteria: Ambry Variant Classification Scheme 2023. Collection method: clinical testing. Allele origin: germline.
Comment: The p.F1389V variant (also known as c.4165T>G), located in coding exon 10 of the BRCA2 gene, results from a T to G substitution at nucleotide position 4165. The phenylalanine at codon 1389 is replaced by valine, an amino acid with highly similar properties. This variant was observed in a study of 1010 unrelated Indian patients with breast and/or ovarian cancer (Singh J et al. Breast Cancer Res Treat, 2018 Jul;170:189-196). This amino acid position is poorly conserved in available vertebrate species. In addition, this alteration is predicted to be tolerated by in silico analysis. Based on the available evidence, the clinical significance of this variant remains unclear.

All of Us Research Program, National Institutes of Health
Classification: Uncertain significance for Breast-ovarian cancer, familial, susceptibility to, 2. Last evaluated: 2023-05-04. Review status: criteria provided, single submitter. Criteria: ACMG Guidelines, 2015. Collection method: clinical testing. Allele origin: germline. Inheritance: Autosomal dominant inheritance. Observed: 2 variant alleles, 2 heterozygotes.
Comment: This missense variant replaces phenylalanine with valine at codon 1389 of the BRCA2 protein. Computational prediction suggests that this variant may not impact protein structure and function (internally defined REVEL score threshold <= 0.5, PMID: 27666373). To our knowledge, functional studies have not been reported for this variant. This variant has been reported in three individuals affected with breast or ovarian cancer (PMID: 29470806, DOI: 10.4103/bbrj.bbrj_206_21). This variant has been identified in 1/237332 chromosomes in the general population by the Genome Aggregation Database (gnomAD). The available evidence is insufficient to determine the role of this variant in disease conclusively. Therefore, this variant is classified as a Variant of Uncertain Significance.

This study involves interpretation of variants in research participants for the purpose of population health screening. Participant phenotype was not available at the time of variant classification. Additional details can be found in publication PMID: 35346344, PMCID: PMC8962531

University of Washington Department of Laboratory Medicine, University of Washington
Classification: Likely benign for Hereditary cancer-predisposing syndrome. Last evaluated: 2023-03-23. Review status: criteria provided, single submitter. Criteria: Dines et al. (Genet Med. 2020). Collection method: curation. Allele origin: germline.
Comment: Missense variant in a coldspot region where missense variants are very unlikely to be pathogenic (PMID:31911673).

BRCA2 exon 11 coldspot. Reclassification based on statistical prior probability.

Neuberg Centre For Genomic Medicine, NCGM
Classification: Uncertain significance for Breast-ovarian cancer, familial, susceptibility to, 2. Last evaluated: 2023-02-14. Review status: criteria provided, single submitter. Criteria: ACMG Guidelines, 2015. Collection method: clinical testing. Allele origin: germline. Inheritance: Autosomal dominant inheritance. Affected: yes.
Comment: The missense c.4165T>G(p.Phe1389Val) variant in BRCA2 gene has been reported previously in individual affected with BRCA2associated disorders (Reeba Mary Issac, et. al., 2022). The variant is reported with an allele frequency of 0.0004% in the gnomADexomes database and is novel (not in any individuals) in 1000 Genomes database. This variant has been reported to the ClinVardatabase as Uncertain significance (multiple submission). The amino acid change p.Phe1389Val in BRCA2 is predicted asconserved by GERP++ and PhyloP across 100 vertebrates. The amino acid Phe at position 1389 is changed to a Val changing proteinsequence and it might alter its composition and physico-chemical properties. For these reasons, this variant has been classifiedas Variant of Uncertain Significance (VUS).

ARUP Laboratories, Molecular Genetics and Genomics, ARUP Laboratories
Classification: Uncertain significance. Last evaluated: 2020-05-08. Review status: criteria provided, single submitter. Criteria: ARUP Molecular Germline Variant Investigation Process. Collection method: clinical testing. Allele origin: germline.
Comment: The BRCA2 c.4165T>G; p.Phe1389Val variant (rs1409088355) is reported in the literature in several individuals affected with breast and/or ovarian cancer (Singh 2018). This variant is found on a single chromosome in the Genome Aggregation Database (1/237332 alleles), indicating it is not a common polymorphism. The phenylalanine at codon 1389 is weakly conserved, and computational analyses (SIFT: damaging, PolyPhen-2: benign) predict conflicting effects of this variant on protein structure/function. However, given the lack of clinical and functional data, the significance of the p.Phe1389Val variant is uncertain at this time. References: Singh J et al. Screening of over 1000 Indian patients with breast and/or ovarian cancer with a multi-gene panel: prevalence of BRCA1/2 and non-BRCA mutations. Breast Cancer Res Treat. 2018 Jul;170(1):189-196.

Literature cited by the submitters: PubMed 29470806 (cited by 6 submitters); PubMed 31853058 (cited by Color Diagnostics, LLC DBA Color Health); PubMed 28526081 (cited by Women's Health and Genetics/Laboratory Corporation of America, LabCorp and Quest Diagnostics Nichols Institute San Juan Capistrano); PubMed 31911673 (cited by Quest Diagnostics Nichols Institute San Juan Capistrano); PubMed 37460928 (cited by Quest Diagnostics Nichols Institute San Juan Capistrano).